The following is an entry in ClinVar:

NM_000434.4(NEU1):c.893C>T (p.Ala298Val)

Gene: NEU1 (neuraminidase 1; minus strand). Cytogenetic location: 6p21.33.
Variant type: single nucleotide variant.
Coding change: c.893C>T on transcript NM_000434.4 (MANE Select); coding-DNA position 893, C replaced by T.
Protein change: p.Ala298Val; replaces alanine 298 with valine.
Molecular consequence: missense variant.
Genome position (GRCh38, 1-based): chr6:31,860,170, G>A on the plus strand (C>T on the coding strand, the complement: NEU1 is on the minus strand). VCF-style: chr6-31860170-G-A. GRCh37 (hg19) VCF-style: chr6-31827947-G-A.
Other names: short protein forms A298V.
Identifiers: ClinVar variation 2457 (VCV000002457.17), dbSNP rs104893981, ClinGen allele CA212565.

ClinVar aggregate classification (germline): Conflicting classifications of pathogenicity. Review status: criteria provided, conflicting classifications (1 of 4 stars). 5 submissions from 5 submitters: Likely pathogenic (3); Uncertain significance (1). 1 of the submissions does not count toward it. Last evaluated 2025-12-26.

Conditions:
Sialidosis. Identifiers: Orphanet 309294, MedGen C0268226, MONDO:0017734.
Sialidosis type 2. Also called: CHERRY RED SPOT--MYOCLONUS SYNDROME; NEURAMINIDASE DEFICIENCY; SIALIDASE DEFICIENCY; SIALIDOSIS, TYPE II; GLYCOPROTEIN NEURAMINIDASE DEFICIENCY; LIPOMUCOPOLYSACCHARIDOSIS. Identifiers: Orphanet 812, Orphanet 87876, MedGen C4282398, MONDO:0009738, OMIM 256550.

Allele frequency attached by ClinVar (database versions not stated): TOPMed 0.00004; ExAC 0.00003; gnomAD exomes 0.00004; gnomAD 0.00002.
gnomAD v4.1: 40 of 1,612,898 alleles (0.0025%); highest among the groups gnomAD compares: African/African-American, 0.0013%; no homozygotes.

Submissions (5):

Labcorp Genetics (formerly Invitae), Labcorp
Classification: Likely pathogenic. Last evaluated: 2025-12-26. Review status: criteria provided, single submitter. Criteria: Invitae Variant Classification Sherloc (09022015). Collection method: clinical testing. Allele origin: germline.
Comment: This sequence change replaces alanine, which is neutral and non-polar, with valine, which is neutral and non-polar, at codon 298 of the NEU1 protein (p.Ala298Val). This variant is present in population databases (rs104893981, gnomAD 0.07%). This missense change has been observed in individual(s) with sialidosis (PMID: 10767332, 14695530). ClinVar contains an entry for this variant (Variation ID: 2457). Invitae Evidence Modeling of protein sequence and biophysical properties (such as structural, functional, and spatial information, amino acid conservation, physicochemical variation, residue mobility, and thermodynamic stability) indicates that this missense variant is not expected to disrupt NEU1 protein function with a negative predictive value of 80%. Experimental studies have shown that this missense change affects NEU1 function (PMID: 10767332, 11279074, 14695530). In summary, the currently available evidence indicates that the variant is pathogenic, but additional data are needed to prove that conclusively. Therefore, this variant has been classified as Likely Pathogenic.

Women's Health and Genetics/Laboratory Corporation of America, LabCorp
Classification: Likely pathogenic for Sialidosis. Last evaluated: 2025-05-28. Review status: criteria provided, single submitter. Criteria: LabCorp Variant Classification Summary - May 2015. Collection method: clinical testing. Allele origin: germline.
Comment: Variant summary: NEU1 c.893C>T (p.Ala298Val) results in a non-conservative amino acid change located in the Sialidase domain (IPR011040) of the encoded protein sequence. Algorithms developed to predict the effect of missense changes on protein structure and function are either unavailable or do not agree on the potential impact of this missense change. The variant allele was found at a frequency of 4.1e-05 in 246526 control chromosomes. This frequency is not significantly higher than estimated for a pathogenic variant in NEU1 causing Sialidosis (4.1e-05 vs 0.0011), allowing no conclusion about variant significance. c.893C>T has been reported in the literature in at least one homozygote and one compound heterozygote affected with Sialidosis (e.g., Lukong_2000, Pattison_2004). These data indicate that the variant is likely to be associated with disease. Several publications report experimental evidence evaluating an impact on protein function, finding that the variant results in <10% enzymatic activity, which is likely due to protein misfolding (e.g, Lukong_2000, Lukong_2001, Pattison_2004). The following publications have been ascertained in the context of this evaluation (PMID: 10767332, 11279074, 14695530). ClinVar contains an entry for this variant (Variation ID: 2457). Based on the evidence outlined above, the variant was classified as likely pathogenic.

Blueprint Genetics
Classification: Uncertain significance. Last evaluated: 2024-09-13. Review status: criteria provided, single submitter. Criteria: ACMG Guidelines, 2015. Collection method: clinical testing. Allele origin: germline.

Illumina Laboratory Services, Illumina
Classification: Likely pathogenic for Sialidosis type 2. Last evaluated: 2016-08-29. Review status: criteria provided, single submitter. Criteria: ICSL Variant Classification Criteria 09 May 2019. Collection method: clinical testing. Allele origin: germline.
Comment: The NEU1 c.893C>T (p.Ala298Val) missense variant has been reported in two individuals with mucolipidosis, type 1, including one who carried the variant in a homozygous state and one who carried the variant in a compound heterozygous state (Lukong et al. 2000; Pattison et al. 2004). The p.Ala298Val was absent from 20 controls and is reported at a frequency of 0.00006 in the European (non-Finnish) population of the Exome Aggregation Consortium. Functional studies using COS-7 cells and sialidosis-deficient human fibroblasts demonstrated that the p.Ala298Val variant has very low sialidase activity compared to wild type NEU1, and the p.Ala298Val variant also results in aberrant localization of the NEU1 protein, likely due to protein misfolding (Lukong et al. 2000; Pattison et al. 2004). Based on the evidence, the p.Ala298Val variant is classified as likely pathogenic for mucolipidosis, type I. This variant was observed by ICSL as part of a predisposition screen in an ostensibly healthy population.

OMIM
Classification: Pathogenic for SIALIDOSIS, TYPE II. Last evaluated: 2004-01-01. Review status: no assertion criteria provided. Collection method: literature only. Allele origin: germline. Not counted in ClinVar's aggregate classification.

Literature cited by the submitters: PubMed 10767332 (cited by 3 submitters); PubMed 14695530 (cited by 4 submitters); PubMed 11279074 (cited by Labcorp Genetics (formerly Invitae), Labcorp and Women's Health and Genetics/Laboratory Corporation of America, LabCorp).